The following is an entry in ClinVar:

NM_004304.5(ALK):c.3699T>G (p.Ile1233Met)

Gene: ALK (ALK receptor tyrosine kinase; minus strand). Cytogenetic location: 2p23.2.
Variant type: single nucleotide variant.
Coding change: c.3699T>G on transcript NM_004304.5 (MANE Select); coding-DNA position 3699, T replaced by G.
Protein change: p.Ile1233Met; replaces isoleucine 1233 with methionine.
Molecular consequence: missense variant.
Genome position (GRCh38, 1-based): chr2:29,214,028, A>C on the plus strand (T>G on the coding strand, the complement: ALK is on the minus strand). VCF-style: chr2-29214028-A-C. GRCh37 (hg19) VCF-style: chr2-29436894-A-C.
Other names: c.495T>G, p.Ile165Met (NM_001353765.2); short protein forms I165M, I1233M.
Identifiers: ClinVar variation 824088 (VCV000824088.14), dbSNP rs1573108910, ClinGen allele CA346471402.
Genomic context (GRCh38, chr2:29,214,028, plus strand): 5'-AGTCACTTTGACTCACCGGTGGATGAAGTGGTTTTCCTCCAAATACTGACAGCCACAGGC[A>C]ATGTCCCGAGCCACGTGCAGAAGGTCCAGCATGGCCAGGGAGGAGGGCTGGCTCTGTGGG-3'
Protein context (NP_004295.2, residues 1223-1243): MLDLLHVARD[Ile1233Met]ACGCQYLEEN

ClinVar aggregate classification (germline): Uncertain significance. Review status: criteria provided, multiple submitters, no conflicts (2 of 4 stars). 2 submissions from 2 submitters: Uncertain significance (2). Last evaluated 2025-03-28.

Conditions:
Neuroblastoma, susceptibility to, 3. Also called: ALK-Related Neuroblastic Tumor Susceptibility. Identifiers: Orphanet 635, MedGen C2751681, MONDO:0013083, OMIM 613014.
Hereditary cancer-predisposing syndrome. Also called: Neoplastic Syndromes, Hereditary; Hereditary Cancer Syndrome; Hereditary neoplastic syndrome; Tumor predisposition. Identifiers: Orphanet 140162, MedGen C0027672, MeSH D009386, MONDO:0015356.

Submissions (2):

Ambry Genetics
Classification: Uncertain significance for Hereditary cancer-predisposing syndrome. Last evaluated: 2025-03-28. Review status: criteria provided, single submitter. Criteria: Ambry Variant Classification Scheme 2023. Collection method: clinical testing. Allele origin: germline.
Comment: The p.I1233M variant (also known as c.3699T>G), located in coding exon 24 of the ALK gene, results from a T to G substitution at nucleotide position 3699. The isoleucine at codon 1233 is replaced by methionine, an amino acid with highly similar properties. This amino acid position is highly conserved in available vertebrate species. In addition, the in silico prediction for this alteration is inconclusive. Since supporting evidence is limited at this time, the clinical significance of this alteration remains unclear.

Labcorp Genetics (formerly Invitae), Labcorp
Classification: Uncertain significance for Neuroblastoma, susceptibility to, 3. Last evaluated: 2020-07-26. Review status: criteria provided, single submitter. Criteria: Invitae Variant Classification Sherloc (09022015). Collection method: clinical testing. Allele origin: germline.
Comment: In summary, the available evidence is currently insufficient to determine the role of this variant in disease. Therefore, it has been classified as a Variant of Uncertain Significance. Algorithms developed to predict the effect of missense changes on protein structure and function are either unavailable or do not agree on the potential impact of this missense change (SIFT: "Deleterious"; PolyPhen-2: "Probably Damaging"; Align-GVGD: "Class C0"). This variant has not been reported in the literature in individuals with ALK-related conditions. ClinVar contains an entry for this variant (Variation ID: 824088). This variant is not present in population databases (ExAC no frequency). This sequence change replaces isoleucine with methionine at codon 1233 of the ALK protein (p.Ile1233Met). The isoleucine residue is highly conserved and there is a small physicochemical difference between isoleucine and methionine.